The following is an entry in ClinVar:

ClinVar aggregate classification (germline): Uncertain significance (0 of 4 stars; one submission).

Conditions:
CHD7-related disorder. Also called: CHD7-related condition.

gnomAD v4.1: 1 of 1,613,022 alleles (0.000062%); highest among the groups gnomAD compares: South Asian, 0.0011%; no homozygotes.

Submission:

PreventionGenetics, part of Exact Sciences
Classification: Uncertain significance for CHD7-related condition. Last evaluated: 2024-09-09. Review status: no assertion criteria provided. Collection method: clinical testing. Allele origin: germline.
Comment: The CHD7 c.494C>T variant is predicted to result in the amino acid substitution p.Pro165Leu. To our knowledge, this variant has not been reported in the literature or in a large population database, indicating this variant is rare. At this time, the clinical significance of this variant is uncertain due to the absence of conclusive functional and genetic evidence.

NM_017780.4(CHD7):c.494C>T (p.Pro165Leu)

Gene: CHD7 (chromodomain helicase DNA binding protein 7; plus strand). Cytogenetic location: 8q12.2.
Variant type: single nucleotide variant.
Coding change: c.494C>T on transcript NM_017780.4 (MANE Select); coding-DNA position 494, C replaced by T.
Protein change: p.Pro165Leu; replaces proline 165 with leucine.
Molecular consequence: missense variant.
Genome position (GRCh38, 1-based): chr8:60,741,926, C>T. VCF-style: chr8-60741926-C-T. GRCh37 (hg19) VCF-style: chr8-61654485-C-T.
Other names: c.494C>T, p.Pro165Leu (NM_001316690.1); short protein forms P165L.
Identifiers: ClinVar variation 3347352 (VCV003347352.1).